The following is an entry in ClinVar:

NM_001320.7(CSNK2B):c.341G>A (p.Cys114Tyr)

Gene: CSNK2B (casein kinase 2 beta; plus strand). Cytogenetic location: 6p21.33.
Variant type: single nucleotide variant.
Coding change: c.341G>A on transcript NM_001320.7 (MANE Select); coding-DNA position 341, G replaced by A.
Protein change: p.Cys114Tyr; replaces cysteine 114 with tyrosine.
Molecular consequence: missense variant.
Genome position (GRCh38, 1-based): chr6:31,669,146, G>A. VCF-style: chr6-31669146-G-A. GRCh37 (hg19) VCF-style: chr6-31636923-G-A.
Other names: c.341G>A, p.Cys114Tyr (NM_001282385.2); short protein forms C114Y.
Identifiers: ClinVar variation 3382922 (VCV003382922.3).

ClinVar aggregate classification (germline): Uncertain significance. Review status: criteria provided, multiple submitters, no conflicts (2 of 4 stars). 2 submissions from 2 submitters: Uncertain significance (2). Last evaluated 2024-10-28.

Conditions:
Poirier-Bienvenu neurodevelopmental syndrome (POBINDS). Identifiers: Orphanet 689397, MedGen C5231482, MONDO:0032889, OMIM 618732.

Submissions (2):

GeneDx
Classification: Uncertain significance. Last evaluated: 2024-10-28. Review status: criteria provided, single submitter. Criteria: GeneDx Variant Classification Process June 2021. Collection method: clinical testing. Allele origin: germline. Affected: yes.
Comment: Not observed at significant frequency in large population cohorts (gnomAD); In silico analysis supports that this missense variant has a deleterious effect on protein structure/function; Has not been previously published as pathogenic or benign to our knowledge

Juno Genomics, Hangzhou Juno Genomics, Inc
Classification: Uncertain significance for Poirier-Bienvenu neurodevelopmental syndrome. Review status: criteria provided, single submitter. Criteria: ACMG Guidelines, 2015. Collection method: clinical testing. Allele origin: germline. Affected: yes.
Comment: Absent from controls (or at extremely low frequency if recessive) in Genome Aggregation Database, Exome Sequencing Project, 1000 Genomes Project, or Exome Aggregation Consortium.;De novo (both maternity and paternity confirmed) in a patient with the disease and no family history.;Multiple lines of computational evidence support a deleterious effect on the gene or gene product (conservation, evolutionary, splicing impact, etc).